The following is an entry in ClinVar:

ClinVar aggregate classification (germline): Conflicting classifications of pathogenicity. Review status: criteria provided, conflicting classifications (1 of 4 stars). 3 submissions from 3 submitters: Uncertain significance (1); Likely benign (1). 1 of the submissions does not count toward it. Last evaluated 2025-12-29.

Conditions:
MYSM1-related disorder. Also called: MYSM1-related condition.

Allele frequency attached by ClinVar (database versions not stated): 1000 Genomes Project 30x 0.00016; gnomAD exomes 0.00025 and 0.00052; ExAC 0.00030; gnomAD 0.00037 and 0.00040; TOPMed 0.00048; ESP Exome Variant Server 0.00053.

Submissions (3):

Labcorp Genetics (formerly Invitae), Labcorp
Classification: Uncertain significance. Last evaluated: 2025-12-29. Review status: criteria provided, single submitter. Criteria: Invitae Variant Classification Sherloc (09022015). Collection method: clinical testing. Allele origin: germline.
Comment: This sequence change falls in intron 13 of the MYSM1 gene. It does not directly change the encoded amino acid sequence of the MYSM1 protein. It affects a nucleotide within the consensus splice site. This variant is present in population databases (rs779915103, gnomAD 0.05%). This variant has not been reported in the literature in individuals affected with MYSM1-related conditions. ClinVar contains an entry for this variant (Variation ID: 1431429). Variants that disrupt the consensus splice site are a relatively common cause of aberrant splicing (PMID: 17576681, 9536098). Algorithms developed to predict the effect of sequence changes on RNA splicing suggest that this variant is not likely to affect RNA splicing. In summary, the available evidence is currently insufficient to determine the role of this variant in disease. Therefore, it has been classified as a Variant of Uncertain Significance.

Blueprint Genetics
Classification: Likely benign. Last evaluated: 2024-11-23. Review status: criteria provided, single submitter. Criteria: ACMG Guidelines, 2015. Collection method: clinical testing. Allele origin: germline.

PreventionGenetics, part of Exact Sciences
Classification: Likely benign for MYSM1-related condition. Last evaluated: 2022-02-10. Review status: no assertion criteria provided. Collection method: clinical testing. Allele origin: germline. Not counted in ClinVar's aggregate classification.
Comment: This variant is classified as likely benign based on ACMG/AMP sequence variant interpretation guidelines (Richards et al. 2015 PMID: 25741868, with internal and published modifications).

Literature cited by the submitters: PubMed 17576681 (cited by Labcorp Genetics (formerly Invitae), Labcorp); PubMed 9536098 (cited by Labcorp Genetics (formerly Invitae), Labcorp).

NM_001085487.3(MYSM1):c.1716+4del

Gene: MYSM1 (Myb like, SWIRM and MPN domains 1; minus strand). Cytogenetic location: 1p32.1.
Variant type: Deletion.
Coding change: c.1716+4del on transcript NM_001085487.3 (MANE Select); 4 bases into the intron after coding-DNA position 1716, one base deleted (C; older notation c.1716+4delC).
Molecular consequence: intron variant.
Genome position (GRCh38, 1-based): chr1:58,668,980, G deleted on the plus strand (C on the coding strand, the reverse complement: MYSM1 is on the minus strand). VCF-style (leftmost placement, unchanged base first): chr1-58668979-AG-A. GRCh37 (hg19) VCF-style: chr1-59134651-AG-A.
Other names: c.1716+4delC (NM_001085487.2).
Identifiers: ClinVar variation 1431429 (VCV001431429.8), dbSNP rs779915103, ClinGen allele CA877712.